The following is an entry in ClinVar:

NM_201384.3(PLEC):c.8982C>T (p.Arg2994=)

Gene: PLEC (plectin; minus strand). Cytogenetic location: 8q24.3.
Variant type: single nucleotide variant.
Coding change: c.8982C>T on transcript NM_201384.3 (MANE Select); coding-DNA position 8982, C replaced by T.
Protein change: p.Arg2994=; no amino-acid change (arginine 2994 retained).
Molecular consequence: synonymous variant.
Genome position (GRCh38, 1-based): chr8:143,920,839, G>A on the plus strand (C>T on the coding strand, the complement: PLEC is on the minus strand). VCF-style: chr8-143920839-G-A. GRCh37 (hg19) VCF-style: chr8-144995007-G-A.
Other names: c.9063C>T, p.Arg3021= (NM_000445.5); c.8940C>T, p.Arg2980= (NM_201378.4); c.8916C>T, p.Arg2972= (NM_201379.3); c.9393C>T, p.Arg3131= (NM_201380.4); c.8886C>T, p.Arg2962= (NM_201381.3); c.8982C>T, p.Arg2994= (NM_201382.4); c.8994C>T, p.Arg2998= (NM_201383.3).
Identifiers: ClinVar variation 538943 (VCV000538943.31), dbSNP rs199939619, ClinGen allele CA4925118.

ClinVar aggregate classification (germline): Likely benign. Review status: criteria provided, multiple submitters, no conflicts (2 of 4 stars). 3 submissions from 3 submitters: Likely benign (3). Last evaluated 2025-12-17.

Conditions:
PLEC-related disorder. Also called: PLEC-related disorders; PLEC-related condition.
Epidermolysis bullosa simplex 5B, with muscular dystrophy (EBS5B). Also called: EPIDERMOLYSIS BULLOSA SIMPLEX AND LIMB-GIRDLE MUSCULAR DYSTROPHY; Epidermolysis bullosa simplex with muscular dystrophy. Identifiers: Orphanet 257, MedGen C2931072, MONDO:0009181, OMIM 226670.
Epidermolysis bullosa simplex, Ogna type (EBS5A). Also called: Pidermolysis bullosa simplex 5A, Ogna type; EPIDERMOLYSIS BULLOSA SIMPLEX 5A, OGNA TYPE. Identifiers: Orphanet 79401, MedGen C0432317, MONDO:0007555, OMIM 131950.
Epidermolysis bullosa simplex 5C, with pyloric atresia (EBS5C). Also called: PLEC1-Related Epidermolysis Bullosa with Pyloric Atresia; PLEC-Related Epidermolysis Bullosa with Pyloric Atresia; Epidermolysis bullosa simplex with pyloric atresia. Identifiers: Orphanet 158684, MedGen C2677349, MONDO:0012807, OMIM 612138.
Epidermolysis bullosa simplex with nail dystrophy (EBS5D). Identifiers: MedGen C4225309, MONDO:0014661, OMIM 616487.
Autosomal recessive limb-girdle muscular dystrophy type 2Q (LGMDR17). Also called: MUSCULAR DYSTROPHY, LIMB-GIRDLE, AUTOSOMAL RECESSIVE 17. Identifiers: Orphanet 254361, MedGen C3150989, MONDO:0013390, OMIM 613723.

Allele frequency attached by ClinVar (database versions not stated): gnomAD 0.00002 and 0.00001; gnomAD exomes 0.00002 and 0.00005; TOPMed 0.00002; ExAC 0.00006; 1000 Genomes Project 30x 0.00031; 1000 Genomes Project 0.00040.
gnomAD v4.1: 38 of 1,608,850 alleles (0.0024%); highest among the groups gnomAD compares: South Asian, 0.016%; no homozygotes.

Submissions (3):

PreventionGenetics, part of Exact Sciences
Classification: Likely benign for PLEC-related condition. Last evaluated: 2025-12-17. Review status: criteria provided, single submitter. Criteria: ACMG Guidelines, 2015. Collection method: clinical testing. Allele origin: germline.
Comment: This variant is classified as likely benign based on ACMG/AMP sequence variant interpretation guidelines (Richards et al. 2015 PMID: 25741868, with internal and published modifications).

Labcorp Genetics (formerly Invitae), Labcorp
Classification: Likely benign for Autosomal recessive limb-girdle muscular dystrophy type 2Q; Epidermolysis bullosa simplex, Ogna type; Epidermolysis bullosa simplex with nail dystrophy; Epidermolysis bullosa simplex 5C, with pyloric atresia; Epidermolysis bullosa simplex 5B, with muscular dystrophy. Last evaluated: 2025-01-20. Review status: criteria provided, single submitter. Criteria: Invitae Variant Classification Sherloc (09022015). Collection method: clinical testing. Allele origin: germline.

CeGaT Center for Human Genetics Tuebingen
Classification: Likely benign. Last evaluated: 2022-07-01. Review status: criteria provided, single submitter. Criteria: CeGaT Center For Human Genetics Tuebingen Variant Classification Criteria Version 2. Collection method: clinical testing. Allele origin: germline. Affected: yes. Observed: 1 variant allele.
Comment: PLEC: BP4, BP7